The following is an entry in ClinVar:

Conditions:
Long QT syndrome 5 (LQT5). Identifiers: Orphanet 101016, Orphanet 768, MedGen C1867904, MONDO:0013372, OMIM 613695.

Submission:

Roden Lab, Vanderbilt University Medical Center
No classification provided (evidence only). Condition: Long QT syndrome 5. Review status: no classification provided. Collection method: in vitro. Allele origin: not applicable. Functional consequence: Effect on ion channel function.
ClinVar note: "not provided" was previously submitted as the classification for the variant. However, the classification appeared to be based only on an observation of functional data so it was converted to no classification on 2025-07-30.

NM_000219.6(KCNE1):c.322G>T (p.Val108Phe)

Gene: KCNE1 (potassium voltage-gated channel subfamily E regulatory subunit 1; minus strand). Cytogenetic location: 21q22.12.
Variant type: single nucleotide variant.
Coding change: c.322G>T on transcript NM_000219.6 (MANE Select); coding-DNA position 322, G replaced by T.
Protein change: p.Val108Phe; replaces valine 108 with phenylalanine.
Molecular consequence: missense variant.
Genome position (GRCh38, 1-based): chr21:34,449,313, C>A on the plus strand (G>T on the coding strand, the complement: KCNE1 is on the minus strand). VCF-style: chr21-34449313-C-A. GRCh37 (hg19) VCF-style: chr21-35821611-C-A.
Other names: c.322G>T, p.Val108Phe (NM_001127668.4, NM_001127669.4, NM_001127670.4 and 4 more transcripts); short protein forms V108F.
Identifiers: ClinVar variation 3374637 (VCV003374637.2).